The following is an entry in ClinVar:

Conditions:
Breast-ovarian cancer, familial, susceptibility to, 1 (BROVCA1). Also called: BRCA1 Hereditary Breast and Ovarian Cancer; OVARIAN CANCER, SUSCEPTIBILITY TO. Identifiers: Orphanet 145, MedGen C2676676, MONDO:0011450, OMIM 604370. Disease mechanism: loss of function.

Submission:

Brotman Baty Institute, University of Washington
No classification provided (evidence only). Condition: Breast-ovarian cancer, familial 1. Review status: no classification provided. Collection method: in vitro. Allele origin: not applicable. Functional consequence: functionally_normal.
ClinVar note: "not provided" was previously submitted as the classification for the variant. However, the classification appeared to be based only on an observation of functional data so it was converted to no classification on 2025-07-30.

NM_007294.4(BRCA1):c.83T>G (p.Leu28Arg)

Gene: BRCA1 (BRCA1 DNA repair associated; minus strand). Cytogenetic location: 17q21.31.
Variant type: single nucleotide variant.
Coding change: c.83T>G on transcript NM_007294.4 (MANE Select); coding-DNA position 83, T replaced by G.
Protein change: p.Leu28Arg; replaces leucine 28 with arginine.
Molecular consequence: missense variant. On other transcripts: non-coding transcript variant (1), intron variant (1).
Genome position (GRCh38, 1-based): chr17:43,115,777, A>C on the plus strand (T>G on the coding strand, the complement: BRCA1 is on the minus strand). VCF-style: chr17-43115777-A-C. GRCh37 (hg19) VCF-style: chr17-41267794-A-C.
Other names: c.83T>G, p.Leu28Arg (NM_001407654.1, NM_001407655.1, NM_001407656.1 and 192 more transcripts); c.-175T>G (NM_001407694.1, NM_001407696.1, NM_001407724.1 and 13 more transcripts); c.-179T>G (NM_001407695.1, NM_001408465.1); c.-59T>G (NM_001407697.1, NM_001407725.1, NM_001407728.1 and 47 more transcripts); c.-55T>G (NM_001407841.1); c.-106T>G (NM_001407853.1, NM_001407879.1, NM_001407882.1 and 52 more transcripts); c.-222T>G (NM_001407889.1, NM_001407900.1, NM_001408492.1); c.-221T>G (NM_001407960.1, NM_001407962.1, NM_001408510.1 and 1 more transcripts); and 2 more; short protein forms L28R.
Identifiers: ClinVar variation 867783 (VCV000867783.3), dbSNP rs80357266, ClinGen allele CA10601986.